The following is an entry in ClinVar:

ClinVar aggregate classification (germline): Uncertain significance. Review status: criteria provided, single submitter (1 of 4 stars). 2 submissions from 2 submitters: Uncertain significance (1). 1 of the submissions does not count toward it. Last evaluated 2023-12-07.

Conditions:
Inborn genetic diseases. Identifiers: MedGen C0950123, MeSH D030342.

Allele frequency attached by ClinVar (database versions not stated): gnomAD exomes below 0.00001 and 0.00002; gnomAD 0.00001; TOPMed 0.00001; ExAC 0.00002.
gnomAD v4.1: 9 of 1,614,088 alleles (0.00056%); highest among the groups gnomAD compares: Non-Finnish European, 0.00068%; no homozygotes.

Submissions (2):

Ambry Genetics
Classification: Uncertain significance for Inborn genetic diseases. Last evaluated: 2023-12-07. Review status: criteria provided, single submitter. Criteria: Ambry Variant Classification Scheme 2023. Collection method: clinical testing. Allele origin: germline.

ITMI
No classification provided. Condition: AllHighlyPenetrant. Last evaluated: 2013-09-19. Review status: no classification provided. Collection method: reference population. Allele origin: germline. Not counted in ClinVar's aggregate classification.
Comment: Please see associated publication for description of ethnicities

Literature cited by the submitters: PubMed 24728327 (cited by ITMI).

NM_024408.4(NOTCH2):c.2573C>G (p.Thr858Ser)

Gene: NOTCH2 (notch receptor 2; minus strand). Cytogenetic location: 1p12.
Variant type: single nucleotide variant.
Coding change: c.2573C>G on transcript NM_024408.4 (MANE Select); coding-DNA position 2573, C replaced by G.
Protein change: p.Thr858Ser; replaces threonine 858 with serine.
Molecular consequence: missense variant.
Genome position (GRCh38, 1-based): chr1:119,949,033, G>C on the plus strand (C>G on the coding strand, the complement: NOTCH2 is on the minus strand). VCF-style: chr1-119949033-G-C. GRCh37 (hg19) VCF-style: chr1-120491656-G-C.
Other names: c.2573C>G, p.Thr858Ser (NM_001200001.2); c.2573C>G (NM_024408.3); short protein forms T858S.
Identifiers: ClinVar variation 134962 (VCV000134962.2), dbSNP rs782631431, ClinGen allele CA161251.